The following is an entry in ClinVar:

NM_001276270.2(MBD4):c.54C>T (p.Pro18=)

Genes: MBD4 (methyl-CpG binding domain 4, DNA glycosylase; minus strand), LOC129937550 (ATAC-STARR-seq lymphoblastoid active region 20512; plus strand). Cytogenetic location: 3q21.3.
Variant type: single nucleotide variant.
Coding change: c.54C>T on transcript NM_001276270.2 (MANE Select); coding-DNA position 54, C replaced by T.
Protein change: p.Pro18=; no amino-acid change (proline 18 retained).
Molecular consequence: synonymous variant.
Genome position (GRCh38, 1-based): chr3:129,439,780, G>A on the plus strand (C>T on the coding strand, the complement: MBD4 is on the minus strand). VCF-style: chr3-129439780-G-A. GRCh37 (hg19) VCF-style: chr3-129158623-G-A.
Other names: c.54C>T, p.Pro18= (NM_001276271.2, NM_001276272.2, NM_001276273.2 and 1 more transcripts).
Identifiers: ClinVar variation 4052165 (VCV004052165.3).
Genomic context (GRCh38, chr3:129,439,780, plus strand): 5'-AGTAACTTACCGGAGGTCATTCGGCGGGTCTGGGACTAGGCGCTCACTAGAGGTGACGGT[G>A]GGGGCAGCTCCGCGGTCCCCCAGACTCAGACTCTCCAGCCCAGTCGTGCCCATCGAGCAG-3'
Protein context (NP_001263199.1, residues 8-28): SLSLGDRGAA[Pro18=]TVTSSERLVP

ClinVar aggregate classification (germline): Benign/Likely benign. Review status: criteria provided, multiple submitters, no conflicts (2 of 4 stars). 3 submissions from 3 submitters: Benign (1); Likely benign (2). Last evaluated 2026-06-09.

Conditions:
Tumor predisposition syndrome 2 (TPDS2). Also called: MBD4-ASSOCIATED NEOPLASIA SYNDROME; MBD4-Related Tumor Predisposition Syndrome; MBD4-associated neoplasia syndrome (MANS). Identifiers: Orphanet 661526, MedGen C5774186, MONDO:0859267, OMIM 619975.
Inborn genetic diseases. Identifiers: MedGen C0950123, MeSH D030342.

gnomAD v4.1: 1 of 1,608,946 alleles (0.000062%); highest among the groups gnomAD compares: Admixed American, 0.0017%; no homozygotes.

Submissions (3):

Myriad Genetics, Inc.
Classification: Benign for Tumor predisposition syndrome 2. Last evaluated: 2026-06-09. Review status: criteria provided, single submitter. Criteria: Myriad Autosomal Dominant, Autosomal Recessive and X-Linked Classification Criteria (2023). Collection method: clinical testing. Allele origin: unknown.
Comment: This variant is considered benign. This variant is a silent/synonymous amino acid change and it is not expected to impact splicing.

Labcorp Genetics (formerly Invitae), Labcorp
Classification: Likely benign. Last evaluated: 2025-12-20. Review status: criteria provided, single submitter. Criteria: Invitae Variant Classification Sherloc (09022015). Collection method: clinical testing. Allele origin: germline.

Ambry Genetics
Classification: Likely benign for Inborn genetic diseases. Last evaluated: 2025-03-15. Review status: criteria provided, single submitter. Criteria: Ambry Variant Classification Scheme 2023. Collection method: clinical testing. Allele origin: germline.